The following is an entry in ClinVar:

NM_001042492.3(NF1):c.3033A>G (p.Ile1011Met)

Gene: NF1 (neurofibromin 1; plus strand). Cytogenetic location: 17q11.2.
Variant type: single nucleotide variant.
Coding change: c.3033A>G on transcript NM_001042492.3 (MANE Select); coding-DNA position 3033, A replaced by G.
Protein change: p.Ile1011Met; replaces isoleucine 1011 with methionine.
Molecular consequence: missense variant.
Genome position (GRCh38, 1-based): chr17:31,230,302, A>G. VCF-style: chr17-31230302-A-G. GRCh37 (hg19) VCF-style: chr17-29557320-A-G.
Other names: c.3033A>G, p.Ile1011Met (NM_000267.4); short protein forms I1011M.
Identifiers: ClinVar variation 1057242 (VCV001057242.8), dbSNP rs2151431575, ClinGen allele CA398987321.
Genomic context (GRCh38, chr17:31,230,302, plus strand): 5'-GTTTCTATGTCTATATAGGTATGTTCGTGTGCTTGGGAATATGGTCCATGCAATTCAAAT[A>G]AAAACGAAACTGTGTCAATTAGTTGAAGTAATGATGGCAAGGAGAGATGACCTCTCATTT-3'
Protein context (NP_001035957.1, residues 1001-1021): VLGNMVHAIQ[Ile1011Met]KTKLCQLVEV

ClinVar aggregate classification (germline): Uncertain significance. Review status: criteria provided, multiple submitters, no conflicts (2 of 4 stars). 3 submissions from 3 submitters: Uncertain significance (3). Last evaluated 2025-12-22.

Conditions:
Cardiovascular phenotype. Identifiers: MedGen CN230736.
Hereditary cancer-predisposing syndrome. Also called: Tumor predisposition; Neoplastic Syndromes, Hereditary; Hereditary Cancer Syndrome; Hereditary neoplastic syndrome. Identifiers: Orphanet 140162, MedGen C0027672, MeSH D009386, MONDO:0015356.
Neurofibromatosis, type 1 (NF1). Also called: NEUROFIBROMATOSIS, TYPE I, SOMATIC; Neurofibromatosis, type I; VON RECKLINGHAUSEN DISEASE; Peripheral type neurofibromatosis. Identifiers: Orphanet 636, MedGen C0027831, MONDO:0018975, OMIM 162200. Disease mechanism: loss of function.

gnomAD v4.1: 1 of 1,613,522 alleles (0.000062%); highest among the groups gnomAD compares: Non-Finnish European, 0.000085%; no homozygotes.

Submissions (3):

Labcorp Genetics (formerly Invitae), Labcorp
Classification: Uncertain significance for Neurofibromatosis, type 1. Last evaluated: 2025-12-22. Review status: criteria provided, single submitter. Criteria: Invitae Variant Classification Sherloc (09022015). Collection method: clinical testing. Allele origin: germline.
Comment: This sequence change replaces isoleucine, which is neutral and non-polar, with methionine, which is neutral and non-polar, at codon 1011 of the NF1 protein (p.Ile1011Met). This variant is not present in population databases (gnomAD no frequency). This variant has not been reported in the literature in individuals affected with NF1-related conditions. ClinVar contains an entry for this variant (Variation ID: 1057242). Invitae Evidence Modeling of protein sequence and biophysical properties (such as structural, functional, and spatial information, amino acid conservation, physicochemical variation, residue mobility, and thermodynamic stability) has been performed for this missense variant. However, the output from this modeling did not meet the statistical confidence thresholds required to predict the impact of this variant on NF1 protein function. In summary, the available evidence is currently insufficient to determine the role of this variant in disease. Therefore, it has been classified as a Variant of Uncertain Significance.

Institute for Biomarker Research, Medical Diagnostic Laboratories, L.L.C.
Classification: Uncertain significance for Hereditary cancer-predisposing syndrome. Last evaluated: 2025-01-27. Review status: criteria provided, single submitter. Criteria: ACMG Guidelines, 2015. Collection method: clinical testing. Allele origin: germline.
Comment: The missense variant NM_000267.3(NF1):c.3033A>G (p.Ile1011Met) has not been reported previously as a pathogenic variant nor as a benign variant, to our knowledge. There is a small physicochemical difference between isoleucine and methionine, which is not likely to impact secondary protein structure as these residues share similar properties. The gene NF1 has a low rate of benign missense variation as indicated by a high missense variants Z-Score of 8.41. The gene NF1 contains 574 pathogenic missense variants, indicating that missense variants are a common mechanism of disease in this gene. For these reasons, this variant has been classified as Uncertain Significance

Ambry Genetics
Classification: Uncertain significance for Cardiovascular phenotype; Hereditary cancer-predisposing syndrome. Last evaluated: 2024-02-22. Review status: criteria provided, single submitter. Criteria: Ambry Variant Classification Scheme 2023. Collection method: clinical testing. Allele origin: germline.
Comment: The p.I1011M variant (also known as c.3033A>G), located in coding exon 23 of the NF1 gene, results from an A to G substitution at nucleotide position 3033. The isoleucine at codon 1011 is replaced by methionine, an amino acid with highly similar properties. This amino acid position is highly conserved in available vertebrate species. In addition, the in silico prediction for this alteration is inconclusive. Since supporting evidence is limited at this time, the clinical significance of this alteration remains unclear.